The following is an entry in ClinVar:

NM_001042432.2(CLN3):c.608C>T (p.Thr203Ile)

Gene: CLN3 (CLN3 lysosomal/endosomal transmembrane protein, battenin; minus strand). Cytogenetic location: 16p12.1.
Variant type: single nucleotide variant.
Coding change: c.608C>T on transcript NM_001042432.2 (MANE Select); coding-DNA position 608, C replaced by T.
Protein change: p.Thr203Ile; replaces threonine 203 with isoleucine.
Molecular consequence: missense variant.
Genome position (GRCh38, 1-based): chr16:28,486,416, G>A on the plus strand (C>T on the coding strand, the complement: CLN3 is on the minus strand). VCF-style: chr16-28486416-G-A. GRCh37 (hg19) VCF-style: chr16-28497737-G-A.
Other names: c.608C>T, p.Thr203Ile (NM_000086.2); c.536C>T, p.Thr179Ile (NM_001286104.2); c.308C>T, p.Thr103Ile (NM_001286105.2); c.374C>T, p.Thr125Ile (NM_001286109.2); c.446C>T, p.Thr149Ile (NM_001286110.2); short protein forms T149I, T203I, T103I, T125I, T179I.
Identifiers: ClinVar variation 2041488 (VCV002041488.3), dbSNP rs1205152766, ClinGen allele CA395345302.
Genomic context (GRCh38, chr16:28,486,416, plus strand): 5'-AGCAGGGCAGGGATACCCAGCATGGACAGCAGGGTCTGCTGAGGGGAGAGGCCGGCCTGG[G>A]TGAGGCCCAGGTAGGACAGGGCCCCCAGCAGCCCAGCTCCCCCAGTCCCTGAGGACCACC-3'
Protein context (NP_001035897.1, residues 193-213): LLGALSYLGL[Thr203Ile]QAGLSPQQTL

ClinVar aggregate classification (germline): Uncertain significance (1 of 4 stars; one submission).

Conditions:
Neuronal ceroid lipofuscinosis. Also called: Neuronal Ceroid Lipofuscinoses. Identifiers: Orphanet 216, Orphanet 79263, MedGen C0027877, MONDO:0016295. Disease mechanism: loss of function.

Allele frequency attached by ClinVar (database versions not stated): gnomAD exomes 0.00001.
gnomAD v4.1: 4 of 1,613,502 alleles (0.00025%); highest among the groups gnomAD compares: South Asian, 0.0044%; no homozygotes.

Submission:

Labcorp Genetics (formerly Invitae), Labcorp
Classification: Uncertain significance for Neuronal ceroid lipofuscinosis. Last evaluated: 2024-02-20. Review status: criteria provided, single submitter. Criteria: Invitae Variant Classification Sherloc (09022015). Collection method: clinical testing. Allele origin: germline.
Comment: This sequence change replaces threonine, which is neutral and polar, with isoleucine, which is neutral and non-polar, at codon 203 of the CLN3 protein (p.Thr203Ile). This variant is present in population databases (no rsID available, gnomAD 0.007%). This variant has not been reported in the literature in individuals affected with CLN3-related conditions. ClinVar contains an entry for this variant (Variation ID: 2041488). An algorithm developed to predict the effect of missense changes on protein structure and function (PolyPhen-2) suggests that this variant is likely to be tolerated. In summary, the available evidence is currently insufficient to determine the role of this variant in disease. Therefore, it has been classified as a Variant of Uncertain Significance.